The following is an entry in ClinVar:

NM_000321.3(RB1):c.138-1G>T

Gene: RB1 (RB transcriptional corepressor 1; plus strand). Cytogenetic location: 13q14.2.
Variant type: single nucleotide variant.
Coding change: c.138-1G>T on transcript NM_000321.3 (MANE Select); the canonical splice acceptor site of the intron before coding-DNA position 138, G replaced by T.
Molecular consequence: splice acceptor variant.
Genome position (GRCh38, 1-based): chr13:48,307,279, G>T. VCF-style: chr13-48307279-G-T. GRCh37 (hg19) VCF-style: chr13-48881415-G-T.
Other names: c.138-1G>T (NM_001407165.1, NM_001407166.1, NM_001407167.1).
Identifiers: ClinVar variation 4759395 (VCV004759395.1), dbSNP rs1593414337.

ClinVar aggregate classification (germline): Pathogenic (1 of 4 stars; one submission).

Conditions:
Hereditary retinoblastoma. Identifiers: Orphanet 357027, MedGen C0751483, MONDO:0018160.

Submission:

Ramesar Group, Division of Human Genetics, Institute of Infectious Diseases and Molecular Medicine, UCT/MRC Genomic and Precision Medicine Research Unit, University of Cape Town
Classification: Pathogenic for Hereditary retinoblastoma. Last evaluated: 2025-09-17. Review status: criteria provided, single submitter. Criteria: ACMG Guidelines, 2015. Collection method: research. Allele origin: germline. Affected: yes. Observed: 1 variant allele.
Comment: PVS1: Null variant (canonical -1 splice site) in a gene (RB1) where LOF is a known mechanism of disease PM2: Absent from gnomAD and ExAC PP3: SpliceAI informs an acceptor loss and acceptor gain score of 0.98 and 0.68, respectively PP4: Patient presents with bilateral retinoblastoma PP5: Reported as pathogenic in ClinVar